The following is an entry in ClinVar:

Single allele

Variant type: Deletion.
Identifiers: ClinVar variation 559459 (VCV000559459.3).

ClinVar aggregate classification (germline): Pathogenic (1 of 4 stars; one submission).

Conditions:
Generalized juvenile polyposis/juvenile polyposis coli. Also called: Juvenile polyposis coli. Identifiers: Orphanet 329971, MedGen C1868081, MONDO:0008276.

Submission:

Geisinger Autism and Developmental Medicine Institute, Geisinger Health System
Classification: Pathogenic for Juvenile polyposis syndrome. Last evaluated: 2017-05-01. Review status: criteria provided, single submitter. Criteria: ACMG CNV Guidelines, 2011. Collection method: provider interpretation. Allele origin: de novo.

Literature cited by the submitters: PubMed 16685657.